The following is an entry in ClinVar:

ClinVar aggregate classification (germline): Pathogenic/Likely pathogenic. Review status: criteria provided, multiple submitters, no conflicts (2 of 4 stars). 3 submissions from 3 submitters: Pathogenic (1); Likely pathogenic (1). 1 of the submissions does not count toward it. Last evaluated 2025-10-23.

Conditions:
Glycogen storage disease, type I. Identifiers: Orphanet 364, MedGen C0017920, MONDO:0002413.
Glucose-6-phosphate transport defect (GSD1B). Also called: GSD Ib; Glycogen Storage Disease Type Ib. Identifiers: Orphanet 364, Orphanet 79259, MedGen C0268146, MONDO:0009288, OMIM 232220.

Allele frequency attached by ClinVar (database versions not stated): TOPMed below 0.00001; gnomAD 0.00001.

Submissions (3):

Myriad Genetics, Inc.
Classification: Likely pathogenic for Glycogen storage disease, type I. Last evaluated: 2025-10-23. Review status: criteria provided, single submitter. Criteria: Myriad Autosomal Dominant, Autosomal Recessive and X-Linked Classification Criteria (2023). Collection method: clinical testing. Allele origin: unknown.
Comment: NM_001164277.1(SLC37A4):c.1A>G(M1?) is an initiation codon variant classified as likely pathogenic in the context of glycogen storage disease type Ib. M1? has been observed in cases with relevant disease (PMID: 10482962, 33977030). Relevant functional assessments of this variant are available in the literature (PMID: 12444104). M1? has not been observed in referenced population frequency databases. In summary, NM_001164277.1(SLC37A4):c.1A>G(M1?) is an initiation codon variant that has functional support for pathogenicity and has been observed more frequently in cases with the relevant disease than in healthy populations. Please note: this variant was assessed in the context of healthy population screening.

Labcorp Genetics (formerly Invitae), Labcorp
Classification: Pathogenic for Glucose-6-phosphate transport defect. Last evaluated: 2020-12-17. Review status: criteria provided, single submitter. Criteria: Invitae Variant Classification Sherloc (09022015). Collection method: clinical testing. Allele origin: germline.
Comment: This variant has been observed in individual(s) with glycogen storage disease (PMID: 10482962). In at least one individual the data is consistent with the variant being in trans (on the opposite chromosome) from a pathogenic variant. This variant is also known as A170G and M1V. ClinVar contains an entry for this variant (Variation ID: 189162). This variant has been reported to affect SLC37A4 protein function (PMID: 10482962). For these reasons, this variant has been classified as Pathogenic. This sequence change affects the initiator methionine of the SLC37A4 mRNA. The next in-frame methionine is located at codon 17. This variant is not present in population databases (ExAC no frequency).

Counsyl
Classification: Likely pathogenic for Glucose-6-phosphate transport defect. Last evaluated: 2015-01-28. Review status: no assertion criteria provided. Collection method: literature only. Allele origin: unknown. Inheritance: Autosomal recessive inheritance. Not counted in ClinVar's aggregate classification.

Literature cited by the submitters: PubMed 10482962 (cited by 3 submitters); PubMed 12444104 (cited by Myriad Genetics, Inc. and Counsyl); PubMed 33977030 (cited by Myriad Genetics, Inc.); PubMed 12373566 (cited by Counsyl); PubMed 15260472 (cited by Counsyl).

NM_001164277.2(SLC37A4):c.1A>G (p.Met1Val)

Gene: SLC37A4 (solute carrier family 37 member 4; minus strand). Cytogenetic location: 11q23.3.
Variant type: single nucleotide variant.
Coding change: c.1A>G on transcript NM_001164277.2 (MANE Select); coding-DNA position 1, A replaced by G.
Protein change: p.Met1Val; changes the start codon (methionine 1).
Molecular consequence: missense variant, initiator codon variant. On other transcripts: intron variant (1).
Genome position (GRCh38, 1-based): chr11:119,029,369, T>C on the plus strand (A>G on the coding strand, the complement: SLC37A4 is on the minus strand). VCF-style: chr11-119029369-T-C. GRCh37 (hg19) VCF-style: chr11-118900079-T-C.
Other names: c.1A>G, p.Met1Val (NM_001164278.2, NM_001164280.2, NM_001467.6); c.-172+23A>G (NM_001164279.2); short protein forms M1V.
Identifiers: ClinVar variation 189162 (VCV000189162.14), dbSNP rs786204740, ClinGen allele CA274441.